The following is an entry in ClinVar:

ClinVar aggregate classification (germline): Uncertain significance (1 of 4 stars; one submission).

Conditions:
Renal cell carcinoma. Identifiers: Orphanet 217071, MedGen C0007134, MeSH D002292, MONDO:0005086, HP:0005584.

Submission:

Labcorp Genetics (formerly Invitae), Labcorp
Classification: Uncertain significance for Renal cell carcinoma. Last evaluated: 2023-04-06. Review status: criteria provided, single submitter. Criteria: Invitae Variant Classification Sherloc (09022015). Collection method: clinical testing. Allele origin: germline.
Comment: This variant has not been reported in the literature in individuals affected with MET-related conditions. Advanced modeling of protein sequence and biophysical properties (such as structural, functional, and spatial information, amino acid conservation, physicochemical variation, residue mobility, and thermodynamic stability) performed at Invitae indicates that this missense variant is expected to disrupt MET protein function. In summary, the available evidence is currently insufficient to determine the role of this variant in disease. Therefore, it has been classified as a Variant of Uncertain Significance. This sequence change replaces leucine, which is neutral and non-polar, with histidine, which is basic and polar, at codon 1213 of the MET protein (p.Leu1213His). This variant is not present in population databases (gnomAD no frequency).

NM_000245.4(MET):c.3584T>A (p.Leu1195His)

Gene: MET (MET proto-oncogene, receptor tyrosine kinase; plus strand). Cytogenetic location: 7q31.2.
Variant type: single nucleotide variant.
Coding change: c.3584T>A on transcript NM_000245.4 (MANE Select); coding-DNA position 3584, T replaced by A.
Protein change: p.Leu1195His; replaces leucine 1195 with histidine.
Molecular consequence: missense variant.
Genome position (GRCh38, 1-based): chr7:116,782,049, T>A. VCF-style: chr7-116782049-T-A. GRCh37 (hg19) VCF-style: chr7-116422103-T-A.
Other names: c.3638T>A, p.Leu1213His (NM_001127500.3); c.2294T>A, p.Leu765His (NM_001324402.2); short protein forms L765H, L1213H, L1195H.
Identifiers: ClinVar variation 2852194 (VCV002852194.3), dbSNP rs2117060197, ClinGen allele CA368991083.